The following is an entry in ClinVar:

NM_017534.6(MYH2):c.5144C>G (p.Ala1715Gly)

Genes: MYHAS (myosin heavy chain gene cluster antisense RNA; plus strand), MYH2 (myosin heavy chain 2; minus strand). Cytogenetic location: 17p13.1.
Variant type: single nucleotide variant.
Coding change: c.5144C>G on transcript NM_017534.6 (MANE Select); coding-DNA position 5144, C replaced by G.
Protein change: p.Ala1715Gly; replaces alanine 1715 with glycine.
Molecular consequence: missense variant.
Genome position (GRCh38, 1-based): chr17:10,524,497, G>C on the plus strand (C>G on the coding strand, the complement: MYH2 is on the minus strand). VCF-style: chr17-10524497-G-C. GRCh37 (hg19) VCF-style: chr17-10427814-G-C.
Other names: c.5144C>G, p.Ala1715Gly (NM_001100112.2); short protein forms A1715G.
Identifiers: ClinVar variation 4742870 (VCV004742870.1).

ClinVar aggregate classification (germline): Uncertain significance (1 of 4 stars; one submission).

Conditions:
Myopathy, proximal, and ophthalmoplegia (CMYO6). Also called: INCLUSION BODY MYOPATHY 3, AUTOSOMAL DOMINANT; CONGENITAL MYOPATHY 6 WITH OPHTHALMOPLEGIA; MYOPATHY WITH CONGENITAL JOINT CONTRACTURES, OPHTHALMOPLEGIA, AND RIMMED VACUOLES. Identifiers: Orphanet 363677, Orphanet 79091, MedGen C1854106, MONDO:0011577, OMIM 605637.

gnomAD v4.1: 24 of 1,614,144 alleles (0.0015%); highest among the groups gnomAD compares: Non-Finnish European, 0.0019%; no homozygotes.

Submission:

Labcorp Genetics (formerly Invitae), Labcorp
Classification: Uncertain significance for Myopathy, proximal, and ophthalmoplegia. Last evaluated: 2025-06-29. Review status: criteria provided, single submitter. Criteria: Invitae Variant Classification Sherloc (09022015). Collection method: clinical testing. Allele origin: germline.
Comment: This sequence change replaces alanine, which is neutral and non-polar, with glycine, which is neutral and non-polar, at codon 1715 of the MYH2 protein (p.Ala1715Gly). This variant is present in population databases (no rsID available, gnomAD 0.002%). This variant has not been reported in the literature in individuals affected with MYH2-related conditions. Invitae Evidence Modeling of protein sequence and biophysical properties (such as structural, functional, and spatial information, amino acid conservation, physicochemical variation, residue mobility, and thermodynamic stability) indicates that this missense variant is not expected to disrupt MYH2 protein function with a negative predictive value of 80%. In summary, the available evidence is currently insufficient to determine the role of this variant in disease. Therefore, it has been classified as a Variant of Uncertain Significance.